The following is an entry in ClinVar:

NM_000059.4(BRCA2):c.2217C>T (p.His739=)

Gene: BRCA2 (BRCA2 DNA repair associated; plus strand). Cytogenetic location: 13q13.1.
Variant type: single nucleotide variant.
Coding change: c.2217C>T on transcript NM_000059.4 (MANE Select); coding-DNA position 2217, C replaced by T.
Protein change: p.His739=; no amino-acid change (histidine 739 retained).
Molecular consequence: synonymous variant.
Genome position (GRCh38, 1-based): chr13:32,336,572, C>T. VCF-style: chr13-32336572-C-T. GRCh37 (hg19) VCF-style: chr13-32910709-C-T.
Identifiers: ClinVar variation 427387 (VCV000427387.3), dbSNP rs1131692117, ClinGen allele CA483436850.

ClinVar aggregate classification (germline): Likely benign (3 of 4 stars; one submission).

Conditions:
Breast-ovarian cancer, familial, susceptibility to, 2 (BROVCA2). Also called: BRCA2 Hereditary Breast and Ovarian Cancer. Identifiers: Orphanet 145, MedGen C2675520, MONDO:0012933, OMIM 612555. Disease mechanism: loss of function.

Allele frequency attached by ClinVar (database versions not stated): gnomAD exomes below 0.00001; TOPMed below 0.00001.
gnomAD v4.1: 3 of 1,614,002 alleles (0.00019%); highest among the groups gnomAD compares: Non-Finnish European, 0.00025%; no homozygotes.

Submission:

Evidence-based Network for the Interpretation of Germline Mutant Alleles (ENIGMA)
Classification: Likely benign for Breast-ovarian cancer, familial, susceptibility to, 2. Last evaluated: 2017-06-29. Review status: reviewed by expert panel. Criteria: ENIGMA BRCA1/2 Classification Criteria (2017-06-29). Collection method: curation. Allele origin: germline.
Comment: Synonymous substitution variant, with low bioinformatic likelihood to result in a splicing aberration (Splicing prior probability 0.02).